The following is an entry in ClinVar:

NM_023036.6(DNAI2):c.978_985dup (p.Leu329fs)

Gene: DNAI2 (dynein axonemal intermediate chain 2; plus strand). Cytogenetic location: 17q25.1.
Variant type: Duplication.
Coding change: c.978_985dup on transcript NM_023036.6 (MANE Select); coding-DNA positions 978 to 985, 8 bases duplicated (ATCTACTT; older notation c.978_985dupATCTACTT).
Protein change: p.Leu329fs; shifts the reading frame from leucine 329.
Molecular consequence: frameshift variant. On other transcripts: non-coding transcript variant (1).
Genome position (GRCh38, 1-based): chr17:74,301,159-74,301,166, ATCTACTT duplicated. VCF-style (leftmost placement, unchanged base first): chr17-74301158-A-AATCTACTT. GRCh37 (hg19) VCF-style: chr17-72297297-A-AATCTACTT.
Other names: c.978_985dup, p.Leu329fs (NM_001172810.3, NM_001353167.2); short protein forms L329fs.
Identifiers: ClinVar variation 4816120 (VCV004816120.1).
Genomic context (GRCh38, chr17:74,301,158, plus strand): 5'-TGGACATCACCAAGAAGGAACAGTTGGAAAATGCCTTGGGGGCCATCTCCCTGGAGTTCG[A>AATCTACTT]ATCTACTTTGGTGAGTGTCCCTTGCTGTCCCTTCCCCGACTTGCATTGACAGGGCAGCCA-3'

ClinVar aggregate classification (germline): Likely pathogenic (1 of 4 stars; one submission).

Conditions:
Primary ciliary dyskinesia. Also called: Ciliary dyskinesia. Identifiers: Orphanet 244, MedGen C0008780, MONDO:0016575, HP:0012265.

Submission:

Natera, Inc.
Classification: Likely pathogenic for Primary ciliary dyskinesia. Last evaluated: 2025-06-09. Review status: criteria provided, single submitter. Criteria: Natera Variant Classification Schema (03/2026). Collection method: clinical testing. Allele origin: germline.
Comment: The c.978_985dup variant in DNAI2 is a frameshift variant predicted to shift the reading frame beginning at codon 329 and leads to a stop codon 56 codons downstream. This variant is expected to result in nonsense mediated decay, truncation, or a dysfunctional protein product. This variant is rare in the general population with a frequency below the threshold expected for the associated phenotype(s). Given the available evidence, this variant is classified as Likely Pathogenic.